The following is an entry in ClinVar:

NM_032578.4(MYPN):c.1973+11A>G

Gene: MYPN (myopalladin; plus strand). Cytogenetic location: 10q21.3.
Variant type: single nucleotide variant.
Coding change: c.1973+11A>G on transcript NM_032578.4 (MANE Select); 11 bases into the intron after coding-DNA position 1973, A replaced by G.
Molecular consequence: intron variant.
Genome position (GRCh38, 1-based): chr10:68,166,677, A>G. VCF-style: chr10-68166677-A-G. GRCh37 (hg19) VCF-style: chr10-69926434-A-G.
Other names: c.1973+11A>G (NM_001256267.2); c.1091+11A>G (NM_001256268.2).
Identifiers: ClinVar variation 512225 (VCV000512225.1), dbSNP rs763753325, ClinGen allele CA5522695.

ClinVar aggregate classification (germline): Likely benign (1 of 4 stars; one submission).

Allele frequency attached by ClinVar (database versions not stated): gnomAD exomes 0.00001 and 0.00002; TOPMed 0.00001; ExAC 0.00002; gnomAD 0.00003.
gnomAD v4.1: 18 of 1,613,894 alleles (0.0011%); highest among the groups gnomAD compares: Non-Finnish European, 0.0014%; no homozygotes.

Submission:

GeneDx
Classification: Likely benign. Last evaluated: 2017-09-25. Review status: criteria provided, single submitter. Criteria: GeneDx Variant Classification (06012015). Collection method: clinical testing. Allele origin: germline. Affected: yes.
Comment: This variant is considered likely benign or benign based on one or more of the following criteria: it is a conservative change, it occurs at a poorly conserved position in the protein, it is predicted to be benign by multiple in silico algorithms, and/or has population frequency not consistent with disease.